The following is an entry in ClinVar:

NC_000011.9:g.(?_108098346)_(108151901_?)dup

Genes: ATM (ATM serine/threonine kinase; plus strand), LOC128772356 (melanoma risk locus-associated MPRA allelic enhancer 11:108140516; plus strand), LOC129390352 (MPRA-validated peak1449 silencer; plus strand), LOC129390353 (MPRA-validated peak1450 silencer; plus strand). Cytogenetic location: 11q22.3.
Variant type: Duplication.
Identifiers: ClinVar variation 453335 (VCV000453335.10).

ClinVar aggregate classification (germline): Uncertain significance (1 of 4 stars; one submission).

Conditions:
Ataxia-telangiectasia syndrome (AT). Also called: Cerebello-oculocutaneous telangiectasia; Immunodeficiency with ataxia telangiectasia; Ataxia-telangiectasia, complementation group D; AT, COMPLEMENTATION GROUP C; Ataxia-telangiectasia, complementation group E; LOUIS-BAR SYNDROME. Identifiers: Orphanet 100, MedGen C0004135, MONDO:0008840, OMIM 208900.

Submission:

Labcorp Genetics (formerly Invitae), Labcorp
Classification: Uncertain significance for Ataxia-telangiectasia syndrome. Last evaluated: 2017-05-31. Review status: criteria provided, single submitter. Criteria: Invitae Variant Classification Sherloc (09022015). Collection method: clinical testing. Allele origin: germline.
Comment: In summary, this variant has uncertain impact on ATM function. The available evidence is currently insufficient to determine its role in disease. Therefore, it has been classified as a Variant of Uncertain Significance. The exact genomic location of this variant is unknown. While this particular variant has not been reported in the literature in individuals with an ATM-related disease, a similar duplication of exons 2-18 (referred to using alternate exon numbering as a duplication of exons 4-20) has been reported in an individual affected with ataxia-telangiectasia (PMID: 17910737). This variant is a gross duplication of the genomic region encompassing exons 2-24 of the ATM gene. The 5' end of this event is unknown as it extends beyond the assayed region for this gene and therefore may encompass additional genes. The 3' boundary is likely confined to intron 24 of the ATM gene.

Literature cited by the submitters: PubMed 17910737.